The following is an entry in ClinVar:

ClinVar aggregate classification (germline): Pathogenic (1 of 4 stars; one submission).

Submission:

GeneDx
Classification: Pathogenic. Last evaluated: 2017-03-16. Review status: criteria provided, single submitter. Criteria: GeneDx Variant Classification (06012015). Collection method: clinical testing. Allele origin: germline. Affected: yes.
Comment: The c.686delA pathogenic variant in the IRF6 gene causes a frameshift starting with codon Lysine 229, changes this amino acid to a Serine residue and creates a premature Stop codon at position 13 of the new reading frame, denoted p.Lys229SerfsX13. This pathogenic variant is predicted to cause loss of normal protein function either through protein truncation or nonsense-mediated mRNA decay. Additionally, the c.686delA variant is not observed in large population cohorts (Lek et al., 2016; 1000 Genomes Consortium et al., 2015; Exome Variant Server).

NM_006147.4(IRF6):c.686del (p.Lys229fs)

Gene: IRF6 (interferon regulatory factor 6; minus strand). Cytogenetic location: 1q32.2.
Variant type: Deletion.
Coding change: c.686del on transcript NM_006147.4 (MANE Select); coding-DNA position 686, one base deleted (A; older notation c.686delA).
Protein change: p.Lys229fs; shifts the reading frame from lysine 229.
Molecular consequence: frameshift variant.
Genome position (GRCh38, 1-based): chr1:209,790,869, T deleted on the plus strand (A on the coding strand, the reverse complement: IRF6 is on the minus strand); the first of 2 consecutive T bases (chr1:209,790,869-209,790,870); deleting either gives the same sequence. VCF-style (leftmost placement, unchanged base first): chr1-209790868-CT-C. GRCh37 (hg19) VCF-style: chr1-209964213-CT-C.
Other names: c.401del, p.Lys134fs (NM_001206696.2); short protein forms K229fs, K134fs.
Identifiers: ClinVar variation 424495 (VCV000424495.2), dbSNP rs1064797000, ClinGen allele CA16617048.